The following is an entry in ClinVar:

ClinVar aggregate classification (germline): Conflicting classifications of pathogenicity. Review status: criteria provided, conflicting classifications (1 of 4 stars). 5 submissions from 5 submitters: Uncertain significance (3); Likely benign (2). Last evaluated 2024-06-20.

Conditions:
Neurofibromatosis, type 1 (NF1). Also called: VON RECKLINGHAUSEN DISEASE; NEUROFIBROMATOSIS, TYPE I, SOMATIC; Peripheral type neurofibromatosis; Neurofibromatosis, type I. Identifiers: Orphanet 636, MedGen C0027831, MONDO:0018975, OMIM 162200. Disease mechanism: loss of function.
Hereditary cancer-predisposing syndrome. Also called: Hereditary Cancer Syndrome; Hereditary neoplastic syndrome; Neoplastic Syndromes, Hereditary; Tumor predisposition. Identifiers: Orphanet 140162, MedGen C0027672, MeSH D009386, MONDO:0015356.

Submissions (5):

Blueprint Genetics
Classification: Likely benign. Last evaluated: 2024-06-20. Review status: criteria provided, single submitter. Criteria: ACMG Guidelines, 2015. Collection method: clinical testing. Allele origin: germline.

CeGaT Center for Human Genetics Tuebingen
Classification: Likely benign. Last evaluated: 2024-05-01. Review status: criteria provided, single submitter. Criteria: CeGaT Center For Human Genetics Tuebingen Variant Classification Criteria Version 2. Collection method: clinical testing. Allele origin: germline. Affected: yes. Observed: 1 variant allele.
Comment: NF1: BS1

Genome-Nilou Lab
Classification: Uncertain significance for Neurofibromatosis, type 1. Last evaluated: 2022-03-15. Review status: criteria provided, single submitter. Criteria: ACMG Guidelines, 2015. Collection method: clinical testing. Allele origin: germline. Affected: no.

Sema4
Classification: Uncertain significance for Hereditary cancer-predisposing syndrome. Last evaluated: 2021-11-15. Review status: criteria provided, single submitter. Criteria: Sema4 Curation Guidelines. Collection method: curation. Allele origin: germline.
Comment: The NF1 c.3198-3C>A variant has not been reported in the literature to our knowledge. This variant was not observed in the large and broad cohorts of the Genome Aggregation Database (PMID: 32461654). The variant has been reported in ClinVar (Variation ID: 967374). In silico tools suggest the variant may not have an impact on splicing, though these predictions have not been confirmed by functional studies. The evidence is insufficient to meet ACMG/AMP criteria for classifying the variant as benign or pathogenic. Thus, the clinical significance of this variant is currently uncertain.

Labcorp Genetics (formerly Invitae), Labcorp
Classification: Uncertain significance for Neurofibromatosis, type 1. Last evaluated: 2020-03-18. Review status: criteria provided, single submitter. Criteria: Invitae Variant Classification Sherloc (09022015). Collection method: clinical testing. Allele origin: germline.
Comment: In summary, the available evidence is currently insufficient to determine the role of this variant in disease. Therefore, it has been classified as a Variant of Uncertain Significance. Nucleotide substitutions within the consensus splice site are a relatively common cause of aberrant splicing (PMID: 17576681, 9536098). Algorithms developed to predict the effect of sequence changes on RNA splicing suggest that this variant may disrupt the consensus splice site, but this prediction has not been confirmed by published transcriptional studies. This variant has not been reported in the literature in individuals with NF1-related disease. This variant is not present in population databases (ExAC no frequency). This sequence change falls in intron 24 of the NF1 gene. It does not directly change the encoded amino acid sequence of the NF1 protein, but it affects a nucleotide within the consensus splice site of the intron.

Literature cited by the submitters: PubMed 17576681 (cited by Labcorp Genetics (formerly Invitae), Labcorp); PubMed 9536098 (cited by Labcorp Genetics (formerly Invitae), Labcorp).

NM_001042492.3(NF1):c.3198-3C>A

Gene: NF1 (neurofibromin 1; plus strand). Cytogenetic location: 17q11.2.
Variant type: single nucleotide variant.
Coding change: c.3198-3C>A on transcript NM_001042492.3 (MANE Select); 3 bases into the intron before coding-DNA position 3198, C replaced by A.
Molecular consequence: intron variant.
Genome position (GRCh38, 1-based): chr17:31,232,070, C>A. VCF-style: chr17-31232070-C-A. GRCh37 (hg19) VCF-style: chr17-29559088-C-A.
Other names: c.3198-3C>A (NM_000267.4).
Identifiers: ClinVar variation 967374 (VCV000967374.28), dbSNP rs777759972, ClinGen allele CA982966085.
Genomic context (GRCh38, chr17:31,232,070, plus strand): 5'-AGTGAAAGAACTTGAAAGATTCATGGTCTCTAAATTTTTTTTTTTTTTTTTTTTTTTTTT[C>A]AGAGATTTGGACCAGGCAAGCATGGAAGCAGTAGTTTCACTTCTAGCTGGTCTCCCTCTG-3'